The following is an entry in ClinVar:

NM_001114753.3(ENG):c.575_577dup (p.Arg192_Thr193insSer)

Gene: ENG (endoglin; minus strand). Cytogenetic location: 9q34.11.
Variant type: Duplication.
Coding change: c.575_577dup on transcript NM_001114753.3 (MANE Select); coding-DNA positions 575 to 577, 3 bases duplicated (GCA; older notation c.575_577dupGCA).
Protein change: p.Arg192_Thr193insSer.
Molecular consequence: inframe insertion.
Genome position (GRCh38, 1-based): chr9:127,825,807-127,825,809, TGC duplicated on the plus strand (GCA on the coding strand, the reverse complement: ENG is on the minus strand). VCF-style (leftmost placement, unchanged base first): chr9-127825806-G-GTGC. GRCh37 (hg19) VCF-style: chr9-130588085-G-GTGC.
Other names: c.575_577dup, p.Arg192_Thr193insSer (NM_000118.4, NM_001406715.1); c.29_31dup, p.Arg10_Thr11insSer (NM_001278138.2).
Identifiers: ClinVar variation 2743280 (VCV002743280.3), dbSNP rs2539076204, ClinGen allele CA2697558070.

ClinVar aggregate classification (germline): Uncertain significance (1 of 4 stars; one submission).

Conditions:
Hereditary hemorrhagic telangiectasia (HHT). Also called: ORW DISEASE; Osler Weber Rendu syndrome; OSLER-RENDU-WEBER DISEASE; Osler hemorrhagic telangiectasia syndrome. Identifiers: Orphanet 774, MedGen C0039445, MONDO:0019180. Disease mechanism: loss of function.

Submission:

Labcorp Genetics (formerly Invitae), Labcorp
Classification: Uncertain significance for Hereditary hemorrhagic telangiectasia. Last evaluated: 2023-07-14. Review status: criteria provided, single submitter. Criteria: Invitae Variant Classification Sherloc (09022015). Collection method: clinical testing. Allele origin: germline.
Comment: In summary, the available evidence is currently insufficient to determine the role of this variant in disease. Therefore, it has been classified as a Variant of Uncertain Significance. This variant has not been reported in the literature in individuals affected with ENG-related conditions. This variant is not present in population databases (gnomAD no frequency). This variant, c.575_577dup, results in the insertion of 1 amino acid(s) of the ENG protein (p.Arg192_Thr193insSer), but otherwise preserves the integrity of the reading frame.